The following is an entry in ClinVar:

NM_006514.4(SCN10A):c.544T>A (p.Phe182Ile)

Gene: SCN10A (sodium voltage-gated channel alpha subunit 10; minus strand). Cytogenetic location: 3p22.2.
Variant type: single nucleotide variant.
Coding change: c.544T>A on transcript NM_006514.4 (MANE Select); coding-DNA position 544, T replaced by A.
Protein change: p.Phe182Ile; replaces phenylalanine 182 with isoleucine.
Molecular consequence: missense variant.
Genome position (GRCh38, 1-based): chr3:38,771,334, A>T on the plus strand (T>A on the coding strand, the complement: SCN10A is on the minus strand). VCF-style: chr3-38771334-A-T. GRCh37 (hg19) VCF-style: chr3-38812825-A-T.
Other names: c.544T>A, p.Phe182Ile (NM_001293306.2, NM_001293307.2); short protein forms F182I.
Identifiers: ClinVar variation 463265 (VCV000463265.5), dbSNP rs1553623225, ClinGen allele CA352156272.

ClinVar aggregate classification (germline): Uncertain significance (1 of 4 stars; one submission).

Conditions:
Brugada syndrome. Also called: Sudden Unexplained Death Syndrome; Sudden Unexplained Nocturnal Death Syndrome (SUNDS); Sudden unexpected nocturnal death syndrome; Sudden unexplained nocturnal death syndrome. Identifiers: Orphanet 130, MedGen C1142166, MONDO:0015263.

Submission:

Labcorp Genetics (formerly Invitae), Labcorp
Classification: Uncertain significance for Brugada syndrome. Last evaluated: 2022-11-22. Review status: criteria provided, single submitter. Criteria: Invitae Variant Classification Sherloc (09022015). Collection method: clinical testing. Allele origin: germline.
Comment: This variant has not been reported in the literature in individuals affected with SCN10A-related conditions. This variant is not present in population databases (gnomAD no frequency). This sequence change replaces phenylalanine, which is neutral and non-polar, with isoleucine, which is neutral and non-polar, at codon 182 of the SCN10A protein (p.Phe182Ile). ClinVar contains an entry for this variant (Variation ID: 463265). In summary, the available evidence is currently insufficient to determine the role of this variant in disease. Therefore, it has been classified as a Variant of Uncertain Significance. Advanced modeling of protein sequence and biophysical properties (such as structural, functional, and spatial information, amino acid conservation, physicochemical variation, residue mobility, and thermodynamic stability) has been performed at Invitae for this missense variant, however the output from this modeling did not meet the statistical confidence thresholds required to predict the impact of this variant on SCN10A protein function.